The following is an entry in ClinVar:

NM_004304.5(ALK):c.290del (p.Pro97fs)

Gene: ALK (ALK receptor tyrosine kinase; minus strand). Cytogenetic location: 2p23.1.
Variant type: Deletion.
Coding change: c.290del on transcript NM_004304.5 (MANE Select); coding-DNA position 290, one base deleted (C; older notation c.290delC).
Protein change: p.Pro97fs; shifts the reading frame from proline 97.
Molecular consequence: frameshift variant.
Genome position (GRCh38, 1-based): chr2:29,920,370, G deleted on the plus strand (C on the coding strand, the reverse complement: ALK is on the minus strand); the first of 4 consecutive G bases (chr2:29,920,370-29,920,373); deleting any one gives the same sequence. VCF-style (leftmost placement, unchanged base first): chr2-29920369-CG-C. GRCh37 (hg19) VCF-style: chr2-30143235-CG-C.
Other names: short protein forms P97fs.
Identifiers: ClinVar variation 4725946 (VCV004725946.1).

ClinVar aggregate classification (germline): Uncertain significance (1 of 4 stars; one submission).

Conditions:
Neuroblastoma, susceptibility to, 3. Also called: ALK-Related Neuroblastic Tumor Susceptibility. Identifiers: Orphanet 635, MedGen C2751681, MONDO:0013083, OMIM 613014.

Submission:

Labcorp Genetics (formerly Invitae), Labcorp
Classification: Uncertain significance for Neuroblastoma, susceptibility to, 3. Last evaluated: 2025-08-24. Review status: criteria provided, single submitter. Criteria: Invitae Variant Classification Sherloc (09022015). Collection method: clinical testing. Allele origin: germline.
Comment: This sequence change creates a premature translational stop signal (p.Pro97Argfs*31) in the ALK gene. It is expected to result in an absent or disrupted protein product. However, the current clinical and genetic evidence is not sufficient to establish whether loss-of-function variants in ALK cause disease. This variant is not present in population databases (gnomAD no frequency). This variant has not been reported in the literature in individuals affected with ALK-related conditions. In summary, the available evidence is currently insufficient to determine the role of this variant in disease. Therefore, it has been classified as a Variant of Uncertain Significance.